The following is an entry in ClinVar:

NM_000465.4(BARD1):c.161C>A (p.Thr54Asn)

Gene: BARD1 (BRCA1 associated RING domain 1; minus strand). Cytogenetic location: 2q35.
Variant type: single nucleotide variant.
Coding change: c.161C>A on transcript NM_000465.4 (MANE Select); coding-DNA position 161, C replaced by A.
Protein change: p.Thr54Asn; replaces threonine 54 with asparagine.
Molecular consequence: missense variant. On other transcripts: non-coding transcript variant (2), intron variant (2).
Genome position (GRCh38, 1-based): chr2:214,797,115, G>T on the plus strand (C>A on the coding strand, the complement: BARD1 is on the minus strand). VCF-style: chr2-214797115-G-T. GRCh37 (hg19) VCF-style: chr2-215661839-G-T.
Other names: c.161C>A, p.Thr54Asn (NM_001282545.2, NM_001282549.2); c.158+12297C>A (NM_001282548.2); c.159-4670C>A (NM_001282543.2); short protein forms T54N.
Identifiers: ClinVar variation 819686 (VCV000819686.13), dbSNP rs879253878, ClinGen allele CA350462331.

ClinVar aggregate classification (germline): Uncertain significance. Review status: criteria provided, multiple submitters, no conflicts (2 of 4 stars). 2 submissions from 2 submitters: Uncertain significance (2). Last evaluated 2021-06-21.

Conditions:
Hereditary cancer-predisposing syndrome. Also called: Neoplastic Syndromes, Hereditary; Tumor predisposition; Hereditary Cancer Syndrome; Hereditary neoplastic syndrome. Identifiers: Orphanet 140162, MedGen C0027672, MeSH D009386, MONDO:0015356.
Familial cancer of breast. Also called: BREAST CANCER, FAMILIAL; Hereditary breast cancer; hereditary breast carcinoma. Identifiers: Orphanet 227535, MedGen C0346153, MONDO:0016419, OMIM 114480. Disease mechanism: loss of function.

Submissions (2):

Labcorp Genetics (formerly Invitae), Labcorp
Classification: Uncertain significance for Familial cancer of breast. Last evaluated: 2021-06-21. Review status: criteria provided, single submitter. Criteria: Invitae Variant Classification Sherloc (09022015). Collection method: clinical testing. Allele origin: germline.
Comment: In summary, the available evidence is currently insufficient to determine the role of this variant in disease. Therefore, it has been classified as a Variant of Uncertain Significance. Algorithms developed to predict the effect of missense changes on protein structure and function (SIFT, PolyPhen-2, Align-GVGD) all suggest that this variant is likely to be tolerated, but these predictions have not been confirmed by published functional studies and their clinical significance is uncertain. This variant has not been reported in the literature in individuals with BARD1-related conditions. ClinVar contains an entry for this variant (Variation ID: 819686). This variant is not present in population databases (ExAC no frequency). This sequence change replaces threonine with asparagine at codon 54 of the BARD1 protein (p.Thr54Asn). The threonine residue is weakly conserved and there is a small physicochemical difference between threonine and asparagine.

Ambry Genetics
Classification: Uncertain significance for Hereditary cancer-predisposing syndrome. Last evaluated: 2019-11-11. Review status: criteria provided, single submitter. Criteria: Ambry Variant Classification Scheme 2023. Collection method: clinical testing. Allele origin: germline.
Comment: The p.T54N variant (also known as c.161C>A), located in coding exon 2 of the BARD1 gene, results from a C to A substitution at nucleotide position 161. The threonine at codon 54 is replaced by asparagine, an amino acid with similar properties. This amino acid position is not well conserved in available vertebrate species. In addition, this alteration is predicted to be tolerated by in silico analysis. Since supporting evidence is limited at this time, the clinical significance of this alteration remains unclear.